The following is an entry in ClinVar:

NM_001374353.1(GLI2):c.692G>A (p.Arg231Gln)

Gene: GLI2 (GLI family zinc finger 2; plus strand). Cytogenetic location: 2q14.2.
Variant type: single nucleotide variant.
Coding change: c.692G>A on transcript NM_001374353.1 (MANE Select); coding-DNA position 692, G replaced by A.
Protein change: p.Arg231Gln; replaces arginine 231 with glutamine.
Molecular consequence: missense variant.
Genome position (GRCh38, 1-based): chr2:120,968,762, G>A. VCF-style: chr2-120968762-G-A. GRCh37 (hg19) VCF-style: chr2-121726338-G-A.
Other names: c.692G>A, p.Arg231Gln (NM_001371271.1, NM_005270.5); c.317G>A, p.Arg106Gln (NM_001374354.1); short protein forms R106Q, R231Q.
Identifiers: ClinVar variation 1339587 (VCV001339587.2), dbSNP rs756527906, ClinGen allele CA1851637.
Genomic context (GRCh38, chr2:120,968,762, plus strand): 5'-ACTATCCCACAGTGTCCCGTTTCTCCAGCCCGCGGGTGACGCCCCGCCTGAGCCGCAAGC[G>A]GGCGCTGTCCATCTCCCCACTCTCAGACGCCAGCCTGGACCTGCAGCGGATGATCCGCAC-3'
Protein context (NP_001361282.1, residues 221-241): PRVTPRLSRK[Arg231Gln]ALSISPLSDA

ClinVar aggregate classification (germline): Uncertain significance (1 of 4 stars; one submission).

Allele frequency attached by ClinVar (database versions not stated): gnomAD exomes below 0.00001 and 0.00001; ExAC 0.00001; gnomAD 0.00001.
gnomAD v4.1: 11 of 1,613,554 alleles (0.00068%); highest among the groups gnomAD compares: Admixed American, 0.005%; no homozygotes.

Submission:

GeneDx
Classification: Uncertain significance. Last evaluated: 2022-01-26. Review status: criteria provided, single submitter. Criteria: GeneDx Variant Classification Process June 2021. Collection method: clinical testing. Allele origin: germline. Affected: yes.
Comment: In silico analysis supports that this missense variant has a deleterious effect on protein structure/function; Not observed at significant frequency in large population cohorts (gnomAD); This variant is associated with the following publications: (PMID: 27576279, 34921505)